The following is an entry in ClinVar:

ClinVar aggregate classification (germline): Benign/Likely benign. Review status: criteria provided, multiple submitters, no conflicts (2 of 4 stars). 3 submissions from 3 submitters: Benign (1); Likely benign (2). Last evaluated 2026-06-05.

Conditions:
Gastrointestinal stromal tumor. Also called: Gastrointestinal stromal tumor, somatic; Gastrointestinal stroma tumor. Identifiers: Orphanet 44890, MedGen C0238198, MeSH D046152, MONDO:0011719, OMIM 606764, HP:0100723.
Hereditary cancer-predisposing syndrome. Also called: Neoplastic Syndromes, Hereditary; Hereditary Cancer Syndrome; Hereditary neoplastic syndrome; Tumor predisposition. Identifiers: Orphanet 140162, MedGen C0027672, MeSH D009386, MONDO:0015356.

Allele frequency attached by ClinVar (database versions not stated): gnomAD 0.00001 and 0.00002; gnomAD exomes 0.00001; TOPMed 0.00002.
gnomAD v4.1: 14 of 1,613,822 alleles (0.00087%); highest among the groups gnomAD compares: African/African-American, 0.0067%; no homozygotes.

Submissions (3):

Myriad Genetics, Inc.
Classification: Benign for Gastrointestinal stromal tumor. Last evaluated: 2026-06-05. Review status: criteria provided, single submitter. Criteria: Myriad Autosomal Dominant, Autosomal Recessive and X-Linked Classification Criteria (2023). Collection method: clinical testing. Allele origin: unknown.
Comment: This variant is considered benign. This variant is a silent/synonymous amino acid change and it is not expected to impact splicing.

Labcorp Genetics (formerly Invitae), Labcorp
Classification: Likely benign for Gastrointestinal stromal tumor. Last evaluated: 2025-10-13. Review status: criteria provided, single submitter. Criteria: Invitae Variant Classification Sherloc (09022015). Collection method: clinical testing. Allele origin: germline.

Ambry Genetics
Classification: Likely benign for Hereditary cancer-predisposing syndrome. Last evaluated: 2022-08-01. Review status: criteria provided, single submitter. Criteria: Ambry Variant Classification Scheme 2023. Collection method: clinical testing. Allele origin: germline.

NM_000222.3(KIT):c.2682C>T (p.His894=)

Gene: KIT (KIT proto-oncogene, receptor tyrosine kinase; plus strand). Cytogenetic location: 4q12.
Variant type: single nucleotide variant.
Coding change: c.2682C>T on transcript NM_000222.3 (MANE Select); coding-DNA position 2682, C replaced by T.
Protein change: p.His894=; no amino-acid change (histidine 894 retained).
Molecular consequence: synonymous variant.
Genome position (GRCh38, 1-based): chr4:54,736,806, C>T. VCF-style: chr4-54736806-C-T. GRCh37 (hg19) VCF-style: chr4-55602972-C-T.
Other names: c.2670C>T, p.His890= (NM_001093772.2, NM_001385292.1); c.2685C>T, p.His895= (NM_001385284.1); c.2679C>T, p.His893= (NM_001385285.1); c.2667C>T, p.His889= (NM_001385286.1); c.2673C>T, p.His891= (NM_001385288.1); c.2682C>T, p.His894= (NM_001385290.1).
Identifiers: ClinVar variation 717533 (VCV000717533.14), dbSNP rs915801316, ClinGen allele CA96882571.